The following is an entry in ClinVar:

NM_000360.4(TH):c.487+1G>C

Gene: TH (tyrosine hydroxylase; minus strand). Cytogenetic location: 11p15.5.
Variant type: single nucleotide variant.
Coding change: c.487+1G>C on transcript NM_000360.4 (MANE Select); the canonical splice donor site of the intron after coding-DNA position 487, G replaced by C.
Molecular consequence: splice donor variant.
Genome position (GRCh38, 1-based): chr11:2,168,490, C>G on the plus strand (G>C on the coding strand, the complement: TH is on the minus strand). VCF-style: chr11-2168490-C-G. GRCh37 (hg19) VCF-style: chr11-2189720-C-G.
Other names: c.568+1G>C (NM_199293.3); c.580+1G>C (NM_199292.3).
Identifiers: ClinVar variation 553128 (VCV000553128.7), dbSNP rs1554923513, ClinGen allele CA379128729.
Genomic context (GRCh38, chr11:2,168,490, plus strand): 5'-CCCCTGCACCCCAGCCTCTCAAGGTCATTTGGTGGCCCTCAAGGACAGAAAACCGCCTCA[C>G]CCTTGGGCCCCGCGGGGCTGCGCACGTCCTCTGACACCTGGCGCACACCACTGAGCAGGG-3'

ClinVar aggregate classification (germline): Likely pathogenic. Review status: criteria provided, single submitter (1 of 4 stars). 2 submissions from 2 submitters: Likely pathogenic (1). 1 of the submissions does not count toward it. Last evaluated 2022-03-26.

Conditions:
TH-deficient dopa-responsive dystonia. Also called: DYT-TH; Tyrosine Hydroxylase-Deficient Dopa-Responsive Dystonia; Segawa syndrome, autosomal recessive. Identifiers: Orphanet 101150, MedGen C2673535, MONDO:0011551, OMIM 605407.

Submissions (2):

Labcorp Genetics (formerly Invitae), Labcorp
Classification: Likely pathogenic for TH-deficient dopa-responsive dystonia. Last evaluated: 2022-03-26. Review status: criteria provided, single submitter. Criteria: Invitae Variant Classification Sherloc (09022015). Collection method: clinical testing. Allele origin: germline.
Comment: In summary, the currently available evidence indicates that the variant is pathogenic, but additional data are needed to prove that conclusively. Therefore, this variant has been classified as Likely Pathogenic. Algorithms developed to predict the effect of sequence changes on RNA splicing suggest that this variant may disrupt the consensus splice site. ClinVar contains an entry for this variant (Variation ID: 553128). This variant has not been reported in the literature in individuals affected with TH-related conditions. This variant is not present in population databases (gnomAD no frequency). This sequence change affects a donor splice site in intron 4 of the TH gene. It is expected to disrupt RNA splicing. Variants that disrupt the donor or acceptor splice site typically lead to a loss of protein function (PMID: 16199547), and loss-of-function variants in TH are known to be pathogenic (PMID: 22264700, 24753243).

Counsyl
Classification: Likely pathogenic for TH-deficient dopa-responsive dystonia. Last evaluated: 2017-07-28. Review status: no assertion criteria provided. Collection method: clinical testing. Allele origin: unknown. Not counted in ClinVar's aggregate classification.

Literature cited by the submitters: PubMed 16199547 (cited by Labcorp Genetics (formerly Invitae), Labcorp); PubMed 22264700 (cited by Labcorp Genetics (formerly Invitae), Labcorp); PubMed 24753243 (cited by Labcorp Genetics (formerly Invitae), Labcorp).